The following is an entry in ClinVar:

ClinVar aggregate classification (germline): Likely benign. Review status: criteria provided, single submitter (1 of 4 stars). 2 submissions from 2 submitters: Likely benign (1). 1 of the submissions does not count toward it. Last evaluated 2024-04-06.

Conditions:
VPS13B-related disorder. Also called: VPS13B-related condition.
Cohen syndrome (COH1). Also called: Cutis verticis gyrata, retinitis pigmentosa, and sensorineural deafness; PEPPER SYNDROME. Identifiers: Orphanet 193, MedGen C0265223, MONDO:0008999, OMIM 216550.

Allele frequency attached by ClinVar (database versions not stated): gnomAD exomes below 0.00001.
gnomAD v4.1: 1 of 1,613,828 alleles (0.000062%); highest among the groups gnomAD compares: African/African-American, 0.0013%; no homozygotes.

Submissions (2):

Labcorp Genetics (formerly Invitae), Labcorp
Classification: Likely benign for Cohen syndrome. Last evaluated: 2024-04-06. Review status: criteria provided, single submitter. Criteria: Invitae Variant Classification Sherloc (09022015). Collection method: clinical testing. Allele origin: germline.

PreventionGenetics, part of Exact Sciences
Classification: Likely benign for VPS13B-related condition. Last evaluated: 2021-10-20. Review status: no assertion criteria provided. Collection method: clinical testing. Allele origin: germline. Not counted in ClinVar's aggregate classification.
Comment: This variant is classified as likely benign based on ACMG/AMP sequence variant interpretation guidelines (Richards et al. 2015 PMID: 25741868, with internal and published modifications).

NM_152564.5(VPS13B):c.9105T>C (p.Asn3035=)

Gene: VPS13B (vacuolar protein sorting 13 homolog B; plus strand). Cytogenetic location: 8q22.2.
Variant type: single nucleotide variant.
Coding change: c.9105T>C on transcript NM_152564.5 (MANE Select); coding-DNA position 9105, T replaced by C.
Protein change: p.Asn3035=; no amino-acid change (asparagine 3035 retained).
Molecular consequence: synonymous variant.
Genome position (GRCh38, 1-based): chr8:99,821,404, T>C. VCF-style: chr8-99821404-T-C. GRCh37 (hg19) VCF-style: chr8-100833632-T-C.
Other names: c.9180T>C, p.Asn3060= (NM_017890.5).
Identifiers: ClinVar variation 1999311 (VCV001999311.5), dbSNP rs2492020621, ClinGen allele CA462339978.
Genomic context (GRCh38, chr8:99,821,404, plus strand): 5'-GTCAGTAGCAATTAAACTGGTCCATAACCTGACATCTCCAAAGTGGAAAGATGGAGGTAA[T>C]GGTGAAGTTGTGACACTGGATGAAGAAGCGTTTGTTGATACTGAAATAAGACTTGGTGCT-3'
Protein context (NP_689777.3, residues 3025-3045): LTSPKWKDGG[Asn3035=]GEVVTLDEEA